The following is an entry in ClinVar:

ClinVar aggregate classification (germline): Uncertain significance (1 of 4 stars; one submission).

Conditions:
Progressive myoclonic epilepsy type 5. Identifiers: Orphanet 402082, MedGen C5190799.

Submission:

Labcorp Genetics (formerly Invitae), Labcorp
Classification: Uncertain significance for Progressive myoclonic epilepsy type 5. Last evaluated: 2021-01-20. Review status: criteria provided, single submitter. Criteria: Invitae Variant Classification Sherloc (09022015). Collection method: clinical testing. Allele origin: germline.
Comment: This variant has not been reported in the literature in individuals with PRICKLE2-related conditions. Algorithms developed to predict the effect of missense changes on protein structure and function are either unavailable or do not agree on the potential impact of this missense change (SIFT: "Deleterious"; PolyPhen-2: "Benign"; Align-GVGD: "Class C25"). In summary, the available evidence is currently insufficient to determine the role of this variant in disease. Therefore, it has been classified as a Variant of Uncertain Significance. This variant is not present in population databases (ExAC no frequency). This sequence change replaces proline with leucine at codon 439 of the PRICKLE2 protein (p.Pro439Leu). The proline residue is highly conserved and there is a moderate physicochemical difference between proline and leucine.

NM_198859.4(PRICKLE2):c.1316C>T (p.Pro439Leu)

Gene: PRICKLE2 (prickle planar cell polarity protein 2; minus strand). Cytogenetic location: 3p14.1.
Variant type: single nucleotide variant.
Coding change: c.1316C>T on transcript NM_198859.4 (MANE Select); coding-DNA position 1316, C replaced by T.
Protein change: p.Pro439Leu; replaces proline 439 with leucine.
Molecular consequence: missense variant.
Genome position (GRCh38, 1-based): chr3:64,147,174, G>A on the plus strand (C>T on the coding strand, the complement: PRICKLE2 is on the minus strand). VCF-style: chr3-64147174-G-A. GRCh37 (hg19) VCF-style: chr3-64132850-G-A.
Other names: c.1316C>T, p.Pro439Leu (NM_001370528.1); short protein forms P439L.
Identifiers: ClinVar variation 1404714 (VCV001404714.8), dbSNP rs2107015374, ClinGen allele CA353430104.